The following is an entry in ClinVar:

ClinVar aggregate classification (germline): Conflicting classifications of pathogenicity. Review status: criteria provided, conflicting classifications (1 of 4 stars). 2 submissions from 2 submitters: Uncertain significance (1); Likely benign (1). Last evaluated 2026-07-03.

Conditions:
Facioscapulohumeral muscular dystrophy 2 (FSHD2). Also called: MUSCULAR DYSTROPHY, FACIOSCAPULOHUMERAL, TYPE 1B; FACIOSCAPULOHUMERAL MUSCULAR DYSTROPHY 2, DIGENIC; FSHD2, DIGENIC. Identifiers: Orphanet 269, MedGen C1834671, MONDO:0008031, OMIM 158901.
SMCHD1-related disorder. Also called: SMCHD1-related condition.

gnomAD v4.1: 1 of 1,526,150 alleles (0.000066%); highest among the groups gnomAD compares: Non-Finnish European, 0.000087%; no homozygotes.

Submissions (2):

PreventionGenetics, part of Exact Sciences
Classification: Likely benign for SMCHD1-related condition. Last evaluated: 2026-07-03. Review status: criteria provided, single submitter. Criteria: ACMG Guidelines, 2015. Collection method: clinical testing. Allele origin: germline.
Comment: This variant is classified as likely benign based on ACMG/AMP sequence variant interpretation guidelines (Richards et al. 2015 PMID: 25741868, with internal and published modifications).

Labcorp Genetics (formerly Invitae), Labcorp
Classification: Uncertain significance for Facioscapulohumeral muscular dystrophy 2. Last evaluated: 2025-03-13. Review status: criteria provided, single submitter. Criteria: Invitae Variant Classification Sherloc (09022015). Collection method: clinical testing. Allele origin: germline.
Comment: This sequence change falls in intron 40 of the SMCHD1 gene. It does not directly change the encoded amino acid sequence of the SMCHD1 protein. It affects a nucleotide within the consensus splice site. This variant is present in population databases (rs775767403, gnomAD 0.001%). This variant has not been reported in the literature in individuals affected with SMCHD1-related conditions. Variants that disrupt the consensus splice site are a relatively common cause of aberrant splicing (PMID: 17576681, 9536098). Algorithms developed to predict the effect of sequence changes on RNA splicing suggest that this variant is not likely to affect RNA splicing. In summary, the available evidence is currently insufficient to determine the role of this variant in disease. Therefore, it has been classified as a Variant of Uncertain Significance.

Literature cited by the submitters: PubMed 17576681 (cited by Labcorp Genetics (formerly Invitae), Labcorp); PubMed 9536098 (cited by Labcorp Genetics (formerly Invitae), Labcorp).

NM_015295.3(SMCHD1):c.5052+4C>T

Gene: SMCHD1 (structural maintenance of chromosomes flexible hinge domain containing 1; plus strand). Cytogenetic location: 18p11.32.
Variant type: single nucleotide variant.
Coding change: c.5052+4C>T on transcript NM_015295.3 (MANE Select); 4 bases into the intron after coding-DNA position 5052, C replaced by T.
Molecular consequence: intron variant.
Genome position (GRCh38, 1-based): chr18:2,771,622, C>T. VCF-style: chr18-2771622-C-T. GRCh37 (hg19) VCF-style: chr18-2771620-C-T.
Other names: c.5052+4C>T (NM_015295.2).
Identifiers: ClinVar variation 3619963 (VCV003619963.3).